The following is an entry in ClinVar:

NM_001005361.3(DNM2):c.331A>G (p.Thr111Ala)

Gene: DNM2 (dynamin 2; plus strand). Cytogenetic location: 19p13.2.
Variant type: single nucleotide variant.
Coding change: c.331A>G on transcript NM_001005361.3 (MANE Select); coding-DNA position 331, A replaced by G.
Protein change: p.Thr111Ala; replaces threonine 111 with alanine.
Molecular consequence: missense variant.
Genome position (GRCh38, 1-based): chr19:10,772,574, A>G. VCF-style: chr19-10772574-A-G. GRCh37 (hg19) VCF-style: chr19-10883250-A-G.
Other names: c.331A>G (NM_001005360.2); c.331A>G, p.Thr111Ala (NM_001005360.3, NM_001005362.3, NM_001190716.2 and 1 more transcripts); short protein forms T111A.
Identifiers: ClinVar variation 1421133 (VCV001421133.9), dbSNP rs2145911597, ClinGen allele CA404041862.

ClinVar aggregate classification (germline): Uncertain significance. Review status: criteria provided, multiple submitters, no conflicts (2 of 4 stars). 2 submissions from 2 submitters: Uncertain significance (2). Last evaluated 2025-05-21.

Conditions:
Charcot-Marie-Tooth disease dominant intermediate B (CMTDIB). Also called: Charcot-Marie-Tooth disease dominant intermediate 1; CMT DI1; Charcot-Marie-Tooth disease dominant intermediate I; CHARCOT-MARIE-TOOTH NEUROPATHY, DOMINANT INTERMEDIATE B. Identifiers: Orphanet 100044, Orphanet 228179, MedGen C1847902, MONDO:0011674, OMIM 606482.

Allele frequency attached by ClinVar (database versions not stated): gnomAD exomes below 0.00001.
gnomAD v4.1: 2 of 1,614,132 alleles (0.00012%); highest among the groups gnomAD compares: Non-Finnish European, 0.00017%; no homozygotes.

Submissions (2):

Revvity Omics, Revvity
Classification: Uncertain significance. Last evaluated: 2025-05-21. Review status: criteria provided, single submitter. Criteria: ACMG Guidelines, 2015. Collection method: clinical testing. Allele origin: germline.

Labcorp Genetics (formerly Invitae), Labcorp
Classification: Uncertain significance for Charcot-Marie-Tooth disease dominant intermediate B. Last evaluated: 2022-04-25. Review status: criteria provided, single submitter. Criteria: Invitae Variant Classification Sherloc (09022015). Collection method: clinical testing. Allele origin: germline.
Comment: In summary, the available evidence is currently insufficient to determine the role of this variant in disease. Therefore, it has been classified as a Variant of Uncertain Significance. Algorithms developed to predict the effect of missense changes on protein structure and function (SIFT, PolyPhen-2, Align-GVGD) all suggest that this variant is likely to be tolerated. This variant has not been reported in the literature in individuals affected with DNM2-related conditions. This variant is not present in population databases (gnomAD no frequency). This sequence change replaces threonine, which is neutral and polar, with alanine, which is neutral and non-polar, at codon 111 of the DNM2 protein (p.Thr111Ala).